The following is an entry in ClinVar:

ClinVar aggregate classification (germline): Conflicting classifications of pathogenicity. Review status: criteria provided, conflicting classifications (1 of 4 stars). 3 submissions from 3 submitters: Uncertain significance (1); Likely benign (1). 1 of the submissions does not count toward it. Last evaluated 2025-10-01.

Conditions:
Hypercholesterolemia, autosomal dominant, type B (FHCL2). Also called: APOB-Related Familial Hypercholesterolemia, Autosomal Dominant; Hyperlipoproteinemia Type IIb; Familial Hypercholesterolemia Type B; APOLIPOPROTEIN B-100, FAMILIAL DEFECTIVE; APOLIPOPROTEIN B-100, FAMILIAL LIGAND-DEFECTIVE; Familial hypercholesterolemia 2. Identifiers: MedGen C1704417, MONDO:0007751, OMIM 144010.
Familial hypobetalipoproteinemia 1. Also called: APOB-Related Familial Hypobetalipoproteinemia; Hypobetalipoproteinemia, normotriglyceridemic; Acanthocytosis with hypobetalipoproteinemia. Identifiers: MedGen C4551990, MONDO:0014252, OMIM 615558.
Cardiovascular phenotype. Identifiers: MedGen CN230736.

Allele frequency attached by ClinVar (database versions not stated): gnomAD below 0.00001 and 0.00001; gnomAD exomes 0.00001; ExAC 0.00002; TOPMed 0.00002.
gnomAD v4.1: 14 of 1,613,866 alleles (0.00087%); highest among the groups gnomAD compares: South Asian, 0.014%; no homozygotes.

Submissions (3):

Labcorp Genetics (formerly Invitae), Labcorp
Classification: Likely benign for Familial hypobetalipoproteinemia 1; Hypercholesterolemia, autosomal dominant, type B. Last evaluated: 2025-10-01. Review status: criteria provided, single submitter. Criteria: Invitae Variant Classification Sherloc (09022015). Collection method: clinical testing. Allele origin: germline.

Ambry Genetics
Classification: Uncertain significance for Cardiovascular phenotype. Last evaluated: 2023-12-25. Review status: criteria provided, single submitter. Criteria: Ambry Variant Classification Scheme 2023. Collection method: clinical testing. Allele origin: germline.
Comment: The p.D4083N variant (also known as c.12247G>A), located in coding exon 29 of the APOB gene, results from a G to A substitution at nucleotide position 12247. The aspartic acid at codon 4083 is replaced by asparagine, an amino acid with highly similar properties. This amino acid position is conserved. In addition, this alteration is predicted to be tolerated by in silico analysis. Since supporting evidence is limited at this time, the clinical significance of this alteration remains unclear.

Department of Pathology and Laboratory Medicine, Sinai Health System
Classification: Uncertain significance. Review status: no assertion criteria provided. Collection method: clinical testing. Allele origin: unknown. Affected: yes. Study: The Canadian Open Genetics Repository (COGR). Not counted in ClinVar's aggregate classification.
Comment: The APOB p.Asp4083Asn variant was not identified in the literature nor was it identified in the ClinVar, Cosmic, MutDB or LOVD 3.0 databases. The variant was identified in dbSNP (ID: rs762211836) and was found in control databases in 2 of 251186 chromosomes at a frequency of 0.000008 (Genome Aggregation Database Feb 27, 2017). The variant was observed in the following population: South Asian in 2 of 30608 chromosomes (freq: 0.000065), while the variant was not observed in the African, Latino, Ashkenazi Jewish, East Asian, European (Finnish), European (non-Finnish) and other populations. The p.Asp4083 residue is not conserved in mammals and computational analyses (PolyPhen-2, SIFT, AlignGVGD, BLOSUM, MutationTaster) do not suggest a high likelihood of impact to the protein; however, this information is not predictive enough to rule out pathogenicity. In summary, based on the above information the clinical significance of this variant cannot be determined with certainty at this time. This variant is classified as a variant of uncertain significance.

NM_000384.3(APOB):c.12247G>A (p.Asp4083Asn)

Gene: APOB (apolipoprotein B; minus strand). Cytogenetic location: 2p24.1.
Variant type: single nucleotide variant.
Coding change: c.12247G>A on transcript NM_000384.3 (MANE Select); coding-DNA position 12247, G replaced by A.
Protein change: p.Asp4083Asn; replaces aspartic acid 4083 with asparagine.
Molecular consequence: missense variant.
Genome position (GRCh38, 1-based): chr2:21,003,175, C>T on the plus strand (G>A on the coding strand, the complement: APOB is on the minus strand). VCF-style: chr2-21003175-C-T. GRCh37 (hg19) VCF-style: chr2-21226047-C-T.
Other names: short protein forms D4083N.
Identifiers: ClinVar variation 627771 (VCV000627771.10), dbSNP rs762211836, ClinGen allele CA049737.